The following is an entry in ClinVar:

ClinVar aggregate classification (germline): Uncertain significance. Review status: criteria provided, multiple submitters, no conflicts (2 of 4 stars). 2 submissions from 2 submitters: Uncertain significance (2). Last evaluated 2026-04-01.

Conditions:
Sulfite oxidase deficiency due to molybdenum cofactor deficiency type C. Also called: Molybdenum cofactor deficiency, complementation group C; Molybdenum cofactor deficiency C. Identifiers: Orphanet 308400, Orphanet 833, MedGen C1854990, MONDO:0014212, OMIM 615501.

Allele frequency attached by ClinVar (database versions not stated): gnomAD exomes 0.00002 and 0.00003; ExAC 0.00001; TOPMed 0.00002; gnomAD 0.00002.
gnomAD v4.1: 33 of 1,613,702 alleles (0.002%); highest among the groups gnomAD compares: Middle Eastern, 0.016%; no homozygotes.

Submissions (2):

GeneDx
Classification: Uncertain significance. Last evaluated: 2026-04-01. Review status: criteria provided, single submitter. Criteria: GeneDx Variant Classification Process June 2021. Collection method: clinical testing. Allele origin: germline.
Comment: In silico analysis suggests that this missense variant does not alter protein structure/function; Has not been previously published as pathogenic or benign to our knowledge

Labcorp Genetics (formerly Invitae), Labcorp
Classification: Uncertain significance for Sulfite oxidase deficiency due to molybdenum cofactor deficiency type C. Last evaluated: 2025-10-24. Review status: criteria provided, single submitter. Criteria: Invitae Variant Classification Sherloc (09022015). Collection method: clinical testing. Allele origin: germline.
Comment: This sequence change replaces isoleucine, which is neutral and non-polar, with valine, which is neutral and non-polar, at codon 166 of the GPHN protein (p.Ile166Val). This variant is present in population databases (rs764823306, gnomAD 0.009%). This variant has not been reported in the literature in individuals affected with GPHN-related conditions. ClinVar contains an entry for this variant (Variation ID: 1392068). Invitae Evidence Modeling of protein sequence and biophysical properties (such as structural, functional, and spatial information, amino acid conservation, physicochemical variation, residue mobility, and thermodynamic stability) indicates that this missense variant is not expected to disrupt GPHN protein function with a negative predictive value of 80%. In summary, the available evidence is currently insufficient to determine the role of this variant in disease. Therefore, it has been classified as a Variant of Uncertain Significance.

NM_020806.5(GPHN):c.496A>G (p.Ile166Val)

Gene: GPHN (gephyrin; plus strand). Cytogenetic location: 14q23.3.
Variant type: single nucleotide variant.
Coding change: c.496A>G on transcript NM_020806.5 (MANE Select); coding-DNA position 496, A replaced by G.
Protein change: p.Ile166Val; replaces isoleucine 166 with valine.
Molecular consequence: missense variant.
Genome position (GRCh38, 1-based): chr14:66,922,705, A>G. VCF-style: chr14-66922705-A-G. GRCh37 (hg19) VCF-style: chr14-67389422-A-G.
Other names: c.496A>G, p.Ile166Val (NM_001024218.2, NM_001377515.1, NM_001377516.1 and 2 more transcripts); c.535A>G, p.Ile179Val (NM_001377514.1, NM_001377519.1); c.496A>G (NM_020806.4); short protein forms I179V, I166V.
Identifiers: ClinVar variation 1392068 (VCV001392068.9), dbSNP rs764823306, ClinGen allele CA7233773.